The following is an entry in ClinVar:

ClinVar aggregate classification (germline): Uncertain significance (1 of 4 stars; one submission).

Submission:

GeneDx
Classification: Uncertain significance. Last evaluated: 2023-03-31. Review status: criteria provided, single submitter. Criteria: GeneDx Variant Classification Process June 2021. Collection method: clinical testing. Allele origin: germline. Affected: yes.
Comment: Frameshift variant predicted to result in protein truncation or nonsense mediated decay in a gene or region of a gene for which loss of function is not a well-established mechanism of disease; Not observed at significant frequency in large population cohorts (gnomAD); Has not been previously published as pathogenic or benign to our knowledge

NM_001173464.2(KIF21A):c.337_338insG (p.Ile113fs)

Gene: KIF21A (kinesin family member 21A; minus strand). Cytogenetic location: 12q12.
Variant type: Insertion.
Coding change: c.337_338insG on transcript NM_001173464.2 (MANE Select); coding-DNA positions 337 to 338, G inserted.
Protein change: p.Ile113fs; shifts the reading frame from isoleucine 113.
Molecular consequence: frameshift variant.
Genome position: GRCh38 VCF-style: chr12-39369841-A-AC. GRCh37 (hg19) VCF-style: chr12-39763643-A-AC.
Other names: c.337_338insG, p.Ile113fs (NM_001173463.2, NM_001173465.2, NM_001378439.1 and 3 more transcripts); short protein forms I113fs.
Identifiers: ClinVar variation 2661930 (VCV002661930.1), dbSNP rs2502424646, ClinGen allele CA2695199061.